The following is an entry in ClinVar:

NM_144572.2(TBC1D2B):c.23C>G (p.Ala8Gly)

Genes: TBC1D2B (TBC1 domain family member 2B; minus strand), LOC130057679 (ATAC-STARR-seq lymphoblastoid silent region 6703; plus strand). Cytogenetic location: 15q25.1.
Variant type: single nucleotide variant.
Coding change: c.23C>G on transcript NM_144572.2 (MANE Select); coding-DNA position 23, C replaced by G.
Protein change: p.Ala8Gly; replaces alanine 8 with glycine.
Molecular consequence: missense variant.
Genome position (GRCh38, 1-based): chr15:78,077,630, G>C on the plus strand (C>G on the coding strand, the complement: TBC1D2B is on the minus strand). VCF-style: chr15-78077630-G-C. GRCh37 (hg19) VCF-style: chr15-78369972-G-C.
Other names: c.23C>G, p.Ala8Gly (NM_001387142.1, NM_001387143.1, NM_001387144.1 and 1 more transcripts); short protein forms A8G.
Identifiers: ClinVar variation 3041747 (VCV003041747.2), dbSNP rs7176425, ClinGen allele CA7679735.

ClinVar aggregate classification (germline): Benign (0 of 4 stars; one submission).

Conditions:
TBC1D2B-related disorder. Also called: TBC1D2B-related condition.

Allele frequency attached by ClinVar (database versions not stated): 1000 Genomes Project 30x 0.41615; 1000 Genomes Project 0.42472; TOPMed 0.43917; gnomAD 0.47042; gnomAD exomes 0.50591; ExAC 0.75000.

Submission:

PreventionGenetics, part of Exact Sciences
Classification: Benign for TBC1D2B-related condition. Last evaluated: 2022-03-24. Review status: no assertion criteria provided. Collection method: clinical testing. Allele origin: germline.
Comment: This variant is classified as benign based on ACMG/AMP sequence variant interpretation guidelines (Richards et al. 2015 PMID: 25741868, with internal and published modifications).